The following is an entry in ClinVar:

NM_030957.4(ADAMTS10):c.57G>A (p.Met19Ile)

Gene: ADAMTS10 (ADAM metallopeptidase with thrombospondin type 1 motif 10; minus strand). Cytogenetic location: 19p13.2.
Variant type: single nucleotide variant.
Coding change: c.57G>A on transcript NM_030957.4 (MANE Select); coding-DNA position 57, G replaced by A.
Protein change: p.Met19Ile; replaces methionine 19 with isoleucine.
Molecular consequence: missense variant.
Genome position (GRCh38, 1-based): chr19:8,605,654, C>T on the plus strand (G>A on the coding strand, the complement: ADAMTS10 is on the minus strand). VCF-style: chr19-8605654-C-T. GRCh37 (hg19) VCF-style: chr19-8670539-C-T.
Other names: short protein forms M19I.
Identifiers: ClinVar variation 4724420 (VCV004724420.1).

ClinVar aggregate classification (germline): Uncertain significance (1 of 4 stars; one submission).

Submission:

Labcorp Genetics (formerly Invitae), Labcorp
Classification: Uncertain significance. Last evaluated: 2025-07-30. Review status: criteria provided, single submitter. Criteria: Invitae Variant Classification Sherloc (09022015). Collection method: clinical testing. Allele origin: germline.
Comment: This sequence change replaces methionine, which is neutral and non-polar, with isoleucine, which is neutral and non-polar, at codon 19 of the ADAMTS10 protein (p.Met19Ile). This variant is not present in population databases (gnomAD no frequency). This variant has not been reported in the literature in individuals affected with ADAMTS10-related conditions. An algorithm developed to predict the effect of missense changes on protein structure and function (PolyPhen-2) suggests that this variant is likely to be tolerated. In summary, the available evidence is currently insufficient to determine the role of this variant in disease. Therefore, it has been classified as a Variant of Uncertain Significance.